The following is an entry in ClinVar:

NM_025074.7(FRAS1):c.3332T>C (p.Leu1111Pro)

Gene: FRAS1 (Fraser extracellular matrix complex subunit 1; plus strand). Cytogenetic location: 4q21.21.
Variant type: single nucleotide variant.
Coding change: c.3332T>C on transcript NM_025074.7 (MANE Select); coding-DNA position 3332, T replaced by C.
Protein change: p.Leu1111Pro; replaces leucine 1111 with proline.
Molecular consequence: missense variant.
Genome position (GRCh38, 1-based): chr4:78,379,765, T>C. VCF-style: chr4-78379765-T-C. GRCh37 (hg19) VCF-style: chr4-79300919-T-C.
Other names: c.3332T>C, p.Leu1111Pro (NM_001166133.2); short protein forms L1111P.
Identifiers: ClinVar variation 2759051 (VCV002759051.3), dbSNP rs1338776415, ClinGen allele CA357375674.

ClinVar aggregate classification (germline): Uncertain significance. Review status: criteria provided, multiple submitters, no conflicts (2 of 4 stars). 2 submissions from 2 submitters: Uncertain significance (2). Last evaluated 2023-06-14.

Allele frequency attached by ClinVar (database versions not stated): gnomAD exomes below 0.00001.
gnomAD v4.1: 1 of 1,613,722 alleles (0.000062%); highest among the groups gnomAD compares: Non-Finnish European, 0.000085%; no homozygotes.

Submissions (2):

Labcorp Genetics (formerly Invitae), Labcorp
Classification: Uncertain significance. Last evaluated: 2023-06-14. Review status: criteria provided, single submitter. Criteria: Invitae Variant Classification Sherloc (09022015). Collection method: clinical testing. Allele origin: germline.
Comment: In summary, the available evidence is currently insufficient to determine the role of this variant in disease. Therefore, it has been classified as a Variant of Uncertain Significance. An algorithm developed to predict the effect of missense changes on protein structure and function (PolyPhen-2) suggests that this variant is likely to be disruptive. This variant has not been reported in the literature in individuals affected with FRAS1-related conditions. This variant is not present in population databases (gnomAD no frequency). This sequence change replaces leucine, which is neutral and non-polar, with proline, which is neutral and non-polar, at codon 1111 of the FRAS1 protein (p.Leu1111Pro).

Blueprint Genetics
Classification: Uncertain significance. Last evaluated: 2022-09-28. Review status: criteria provided, single submitter. Criteria: ACMG Guidelines, 2015. Collection method: clinical testing. Allele origin: germline.